The following is an entry in ClinVar:

ClinVar aggregate classification (germline): Conflicting classifications of pathogenicity. Review status: criteria provided, conflicting classifications (1 of 4 stars). 3 submissions from 3 submitters: Uncertain significance (1); Likely benign (1). 1 of the submissions does not count toward it. Last evaluated 2024-10-20.

Conditions:
Hereditary breast ovarian cancer syndrome. Also called: Hereditary breast and ovarian cancer syndrome; Hereditary breast and ovarian cancer; Hereditary breast and ovarian cancer syndrome (HBOC); Breast and ovarian cancer; Hereditary breast and/or ovarian cancer syndrome; BRCA1- and BRCA2-Associated Hereditary Breast and Ovarian Cancer. Identifiers: Orphanet 145, MedGen C0677776, MeSH D061325, MONDO:0003582. Disease mechanism: loss of function.
Hereditary cancer-predisposing syndrome. Also called: Neoplastic Syndromes, Hereditary; Tumor predisposition; Hereditary Cancer Syndrome; Hereditary neoplastic syndrome. Identifiers: Orphanet 140162, MedGen C0027672, MeSH D009386, MONDO:0015356.
Breast-ovarian cancer, familial, susceptibility to, 2 (BROVCA2). Also called: BRCA2 Hereditary Breast and Ovarian Cancer. Identifiers: Orphanet 145, MedGen C2675520, MONDO:0012933, OMIM 612555. Disease mechanism: loss of function.

Submissions (3):

Labcorp Genetics (formerly Invitae), Labcorp
Classification: Uncertain significance for Hereditary breast ovarian cancer syndrome. Last evaluated: 2024-10-20. Review status: criteria provided, single submitter. Criteria: Invitae Variant Classification Sherloc (09022015). Collection method: clinical testing. Allele origin: germline.
Comment: This sequence change replaces serine, which is neutral and polar, with phenylalanine, which is neutral and non-polar, at codon 775 of the BRCA2 protein (p.Ser775Phe). This variant is not present in population databases (gnomAD no frequency). This missense change has been observed in individual(s) with breast cancer (PMID: 28039656). ClinVar contains an entry for this variant (Variation ID: 51270). Invitae Evidence Modeling of protein sequence and biophysical properties (such as structural, functional, and spatial information, amino acid conservation, physicochemical variation, residue mobility, and thermodynamic stability) indicates that this missense variant is not expected to disrupt BRCA2 protein function with a negative predictive value of 95%. In summary, the available evidence is currently insufficient to determine the role of this variant in disease. Therefore, it has been classified as a Variant of Uncertain Significance.

University of Washington Department of Laboratory Medicine, University of Washington
Classification: Likely benign for Hereditary cancer-predisposing syndrome. Last evaluated: 2023-03-23. Review status: criteria provided, single submitter. Criteria: Dines et al. (Genet Med. 2020). Collection method: curation. Allele origin: germline.
Comment: Missense variant in a coldspot region where missense variants are very unlikely to be pathogenic (PMID:31911673).

BRCA2 exon 11 coldspot. Reclassification based on statistical prior probability.

Breast Cancer Information Core (BIC) (BRCA2)
Classification: Uncertain significance for Breast-ovarian cancer, familial 2. Last evaluated: 2010-12-17. Review status: no assertion criteria provided. Collection method: clinical testing. Allele origin: germline. Affected: yes. Observed: 1 variant allele. Not counted in ClinVar's aggregate classification.

Literature cited by the submitters: PubMed 28039656 (cited by Labcorp Genetics (formerly Invitae), Labcorp).

NM_000059.4(BRCA2):c.2324C>T (p.Ser775Phe)

Gene: BRCA2 (BRCA2 DNA repair associated; plus strand). Cytogenetic location: 13q13.1.
Variant type: single nucleotide variant.
Coding change: c.2324C>T on transcript NM_000059.4 (MANE Select); coding-DNA position 2324, C replaced by T.
Protein change: p.Ser775Phe; replaces serine 775 with phenylalanine.
Molecular consequence: missense variant.
Genome position (GRCh38, 1-based): chr13:32,336,679, C>T. VCF-style: chr13-32336679-C-T. GRCh37 (hg19) VCF-style: chr13-32910816-C-T.
Other names: short protein forms S775F.
Identifiers: ClinVar variation 51270 (VCV000051270.11), dbSNP rs276174820, ClinGen allele CA014938.
Genomic context (GRCh38, chr13:32,336,679, plus strand): 5'-CCCAGAAAAGTCTTTTATATGATCATGAAAATGCCAGCACTCTTATTTTAACTCCTACTT[C>T]CAAGGATGTTCTGTCAAACCTAGTCATGATTTCTAGAGGCAAAGAATCATACAAAATGTC-3'
Protein context (NP_000050.3, residues 765-785): NASTLILTPT[Ser775Phe]KDVLSNLVMI